The following is an entry in ClinVar:

NM_004525.3(LRP2):c.9178G>A (p.Gly3060Arg)

Gene: LRP2 (LDL receptor related protein 2; minus strand). Cytogenetic location: 2q31.1.
Variant type: single nucleotide variant.
Coding change: c.9178G>A on transcript NM_004525.3 (MANE Select); coding-DNA position 9178, G replaced by A.
Protein change: p.Gly3060Arg; replaces glycine 3060 with arginine.
Molecular consequence: missense variant.
Genome position (GRCh38, 1-based): chr2:169,188,120, C>T on the plus strand (G>A on the coding strand, the complement: LRP2 is on the minus strand). VCF-style: chr2-169188120-C-T. GRCh37 (hg19) VCF-style: chr2-170044630-C-T.
Other names: short protein forms G3060R.
Identifiers: ClinVar variation 1446123 (VCV001446123.6), dbSNP rs773430993, ClinGen allele CA1953651.

ClinVar aggregate classification (germline): Uncertain significance. Review status: criteria provided, multiple submitters, no conflicts (2 of 4 stars). 2 submissions from 2 submitters: Uncertain significance (2). Last evaluated 2022-10-24.

Conditions:
Donnai-Barrow syndrome. Also called: DBS/FOAR SYNDROME; FACIOOCULOACOUSTICORENAL SYNDROME. Identifiers: Orphanet 2143, MedGen C1857277, MONDO:0009104, OMIM 222448.

Allele frequency attached by ClinVar (database versions not stated): gnomAD exomes 0.00001 and 0.00002; ExAC 0.00002; gnomAD 0.00003; TOPMed 0.00004.
gnomAD v4.1: 22 of 1,613,974 alleles (0.0014%); highest among the groups gnomAD compares: East Asian, 0.029%; no homozygotes.

Submissions (2):

Labcorp Genetics (formerly Invitae), Labcorp
Classification: Uncertain significance. Last evaluated: 2022-10-24. Review status: criteria provided, single submitter. Criteria: Invitae Variant Classification Sherloc (09022015). Collection method: clinical testing. Allele origin: germline.
Comment: This sequence change replaces glycine, which is neutral and non-polar, with arginine, which is basic and polar, at codon 3060 of the LRP2 protein (p.Gly3060Arg). This variant is present in population databases (rs773430993, gnomAD 0.03%). This variant has not been reported in the literature in individuals affected with LRP2-related conditions. ClinVar contains an entry for this variant (Variation ID: 1446123). Advanced modeling of protein sequence and biophysical properties (such as structural, functional, and spatial information, amino acid conservation, physicochemical variation, residue mobility, and thermodynamic stability) performed at Invitae indicates that this missense variant is not expected to disrupt LRP2 protein function. In summary, the available evidence is currently insufficient to determine the role of this variant in disease. Therefore, it has been classified as a Variant of Uncertain Significance.

Fulgent Genetics
Classification: Uncertain significance for Donnai-Barrow syndrome. Last evaluated: 2021-11-08. Review status: criteria provided, single submitter. Criteria: ACMG Guidelines, 2015. Collection method: clinical testing. Allele origin: unknown.